The following is an entry in ClinVar:

NM_007294.4(BRCA1):c.4237G>C (p.Glu1413Gln)

Gene: BRCA1 (BRCA1 DNA repair associated; minus strand). Cytogenetic location: 17q21.31.
Variant type: single nucleotide variant.
Coding change: c.4237G>C on transcript NM_007294.4 (MANE Select); coding-DNA position 4237, G replaced by C.
Protein change: p.Glu1413Gln; replaces glutamic acid 1413 with glutamine.
Molecular consequence: missense variant. On other transcripts: non-coding transcript variant (1).
Genome position (GRCh38, 1-based): chr17:43,082,524, C>G on the plus strand (G>C on the coding strand, the complement: BRCA1 is on the minus strand). VCF-style: chr17-43082524-C-G. GRCh37 (hg19) VCF-style: chr17-41234541-C-G.
Other names: c.4024G>C, p.Glu1342Gln (NM_001407571.1, NM_001407907.1, NM_001407908.1 and 12 more transcripts); c.4237G>C, p.Glu1413Gln (NM_001407581.1, NM_001407582.1, NM_001407583.1 and 23 more transcripts); c.4234G>C, p.Glu1412Gln (NM_001407587.1, NM_001407590.1, NM_001407591.1 and 21 more transcripts); c.4231G>C, p.Glu1411Gln (NM_001407629.1, NM_001407630.1, NM_001407631.1 and 5 more transcripts); c.4111G>C, p.Glu1371Gln (NM_001407649.1, NM_001407670.1, NM_001407671.1 and 12 more transcripts); c.4159G>C, p.Glu1387Gln (NM_001407653.1, NM_001407654.1, NM_001407655.1 and 2 more transcripts); c.4156G>C, p.Glu1386Gln (NM_001407656.1, NM_001407661.1, NM_001407662.1 and 1 more transcripts); c.4153G>C, p.Glu1385Gln (NM_001407659.1, NM_001407660.1); and 51 more; short protein forms E1301Q, E1302Q, E1364Q, E1366Q, E1371Q, E1372Q, E1387Q, E1412Q.
Identifiers: ClinVar variation 1738950 (VCV001738950.6), dbSNP rs397509153, ClinGen allele CA10593246.

ClinVar aggregate classification (germline): Uncertain significance. Review status: criteria provided, multiple submitters, no conflicts (2 of 4 stars). 3 submissions from 3 submitters: Uncertain significance (3). Last evaluated 2023-09-10.

Conditions:
Hereditary cancer-predisposing syndrome. Also called: Neoplastic Syndromes, Hereditary; Tumor predisposition; Hereditary neoplastic syndrome; Hereditary Cancer Syndrome. Identifiers: Orphanet 140162, MedGen C0027672, MeSH D009386, MONDO:0015356.
Hereditary breast ovarian cancer syndrome. Also called: Hereditary breast and ovarian cancer syndrome; Hereditary breast and ovarian cancer; Hereditary breast and ovarian cancer syndrome (HBOC); Breast and ovarian cancer; Hereditary breast and/or ovarian cancer syndrome; BRCA1- and BRCA2-Associated Hereditary Breast and Ovarian Cancer. Identifiers: Orphanet 145, MedGen C0677776, MeSH D061325, MONDO:0003582. Disease mechanism: loss of function.
Breast-ovarian cancer, familial, susceptibility to, 1 (BROVCA1). Also called: OVARIAN CANCER, SUSCEPTIBILITY TO; BRCA1 Hereditary Breast and Ovarian Cancer. Identifiers: Orphanet 145, MedGen C2676676, MONDO:0011450, OMIM 604370. Disease mechanism: loss of function.

gnomAD v4.1: 2 of 1,614,188 alleles (0.00012%); highest among the groups gnomAD compares: Non-Finnish European, 0.00017%; no homozygotes.

Submissions (3):

Labcorp Genetics (formerly Invitae), Labcorp
Classification: Uncertain significance for Hereditary breast ovarian cancer syndrome. Last evaluated: 2023-09-10. Review status: criteria provided, single submitter. Criteria: Invitae Variant Classification Sherloc (09022015). Collection method: clinical testing. Allele origin: germline.
Comment: In summary, the available evidence is currently insufficient to determine the role of this variant in disease. Therefore, it has been classified as a Variant of Uncertain Significance. Advanced modeling of protein sequence and biophysical properties (such as structural, functional, and spatial information, amino acid conservation, physicochemical variation, residue mobility, and thermodynamic stability) performed at Invitae indicates that this missense variant is not expected to disrupt BRCA1 protein function. ClinVar contains an entry for this variant (Variation ID: 1738950). This variant has not been reported in the literature in individuals affected with BRCA1-related conditions. This variant is not present in population databases (gnomAD no frequency). This sequence change replaces glutamic acid, which is acidic and polar, with glutamine, which is neutral and polar, at codon 1413 of the BRCA1 protein (p.Glu1413Gln).

All of Us Research Program, National Institutes of Health
Classification: Uncertain significance for Breast-ovarian cancer, familial, susceptibility to, 1. Last evaluated: 2023-02-24. Review status: criteria provided, single submitter. Criteria: ACMG Guidelines, 2015. Collection method: clinical testing. Allele origin: germline. Inheritance: Autosomal dominant inheritance. Observed: 1 variant allele, 1 heterozygote.
Comment: This missense variant replaces glutamic acid with glutamine at codon 1413 of the BRCA1 protein. Computational prediction suggests that this variant may not impact protein structure and function (internally defined REVEL score threshold <= 0.5, PMID: 27666373). To our knowledge, functional studies have not been reported for this variant. This variant has not been reported in individuals affected with BRCA1-related disorders in the literature. This variant has not been identified in the general population by the Genome Aggregation Database (gnomAD). The available evidence is insufficient to determine the role of this variant in disease conclusively. Therefore, this variant is classified as a Variant of Uncertain Significance.

This study involves interpretation of variants in research participants for the purpose of population health screening. Participant phenotype was not available at the time of variant classification. Additional details can be found in publication PMID: 35346344, PMCID: PMC8962531

Ambry Genetics
Classification: Uncertain significance for Hereditary cancer-predisposing syndrome. Last evaluated: 2020-09-17. Review status: criteria provided, single submitter. Criteria: Ambry Variant Classification Scheme 2023. Collection method: clinical testing. Allele origin: germline.
Comment: The p.E1413Q variant (also known as c.4237G>C), located in coding exon 11 of the BRCA1 gene, results from a G to C substitution at nucleotide position 4237. The glutamic acid at codon 1413 is replaced by glutamine, an amino acid with highly similar properties. This amino acid position is not well conserved in available vertebrate species, and glutamine is the reference amino acid in other vertebrate species. In addition, this alteration is predicted to be tolerated by in silico analysis. Since supporting evidence is limited at this time, the clinical significance of this alteration remains unclear.